The following is an entry in ClinVar:

ClinVar aggregate classification (germline): Uncertain significance. Review status: criteria provided, multiple submitters, no conflicts (2 of 4 stars). 2 submissions from 2 submitters: Uncertain significance (2). Last evaluated 2021-09-01.

Conditions:
Anterior segment dysgenesis 7 (ASGD7). Also called: SCLEROCORNEA WITH OTHER OCULAR ANOMALIES; Anterior segment dysgenesis 7, with sclerocornea. Identifiers: Orphanet 289499, MedGen C3151617, MONDO:0010015, OMIM 269400.

Allele frequency attached by ClinVar (database versions not stated): gnomAD 0.00001 and 0.00002; gnomAD exomes 0.00001 and 0.00002; TOPMed 0.00002; ExAC 0.00005.
gnomAD v4.1: 13 of 1,594,666 alleles (0.00082%); highest among the groups gnomAD compares: East Asian, 0.0068%; no homozygotes.

Submissions (2):

Labcorp Genetics (formerly Invitae), Labcorp
Classification: Uncertain significance for Anterior segment dysgenesis 7. Last evaluated: 2021-09-01. Review status: criteria provided, single submitter. Criteria: Invitae Variant Classification Sherloc (09022015). Collection method: clinical testing. Allele origin: germline.
Comment: This sequence change replaces glutamic acid with lysine at codon 553 of the PXDN protein (p.Glu553Lys). The glutamic acid residue is moderately conserved and there is a small physicochemical difference between glutamic acid and lysine. This variant is present in population databases (rs755097189, ExAC 0.04%). This variant has not been reported in the literature in individuals affected with PXDN-related conditions. Algorithms developed to predict the effect of missense changes on protein structure and function (SIFT, PolyPhen-2, Align-GVGD) all suggest that this variant is likely to be tolerated. In summary, the available evidence is currently insufficient to determine the role of this variant in disease. Therefore, it has been classified as a Variant of Uncertain Significance.

GeneDx
Classification: Uncertain significance. Last evaluated: 2019-11-21. Review status: criteria provided, single submitter. Criteria: GeneDx Variant Classification Process June 2021. Collection method: clinical testing. Allele origin: germline. Affected: yes.
Comment: In silico analysis, which includes protein predictors and evolutionary conservation, supports that this variant does not alter protein structure/function; Has not been previously published as pathogenic or benign to our knowledge

NM_012293.3(PXDN):c.1657G>A (p.Glu553Lys)

Gene: PXDN (peroxidasin; minus strand). Cytogenetic location: 2p25.3.
Variant type: single nucleotide variant.
Coding change: c.1657G>A on transcript NM_012293.3 (MANE Select); coding-DNA position 1657, G replaced by A.
Protein change: p.Glu553Lys; replaces glutamic acid 553 with lysine.
Molecular consequence: missense variant.
Genome position (GRCh38, 1-based): chr2:1,662,095, C>T on the plus strand (G>A on the coding strand, the complement: PXDN is on the minus strand). VCF-style: chr2-1662095-C-T. GRCh37 (hg19) VCF-style: chr2-1665867-C-T.
Other names: short protein forms E553K.
Identifiers: ClinVar variation 569961 (VCV000569961.7), dbSNP rs755097189, ClinGen allele CA1513238.